The following is an entry in ClinVar:

ClinVar aggregate classification (germline): Uncertain significance (1 of 4 stars; one submission).

Conditions:
Myofibrillar myopathy 5. Also called: FILAMINOPATHY, AUTOSOMAL DOMINANT; Filaminopathy (type). Identifiers: Orphanet 171445, MedGen C1836050, MONDO:0012289, OMIM 609524.
Hypertrophic cardiomyopathy 26. Also called: Cardiomyopathy, familial hypertrophic, 26. Identifiers: Orphanet 75249, MedGen C4310749, MONDO:0014883, OMIM 617047.
Distal myopathy with posterior leg and anterior hand involvement. Also called: WILLIAMS DISTAL MYOPATHY. Identifiers: Orphanet 63273, MedGen C3279722, MONDO:0013550, OMIM 614065.

gnomAD v4.1: 1 of 1,613,070 alleles (0.000062%); highest among the groups gnomAD compares: South Asian, 0.0011%; no homozygotes.

Submission:

Labcorp Genetics (formerly Invitae), Labcorp
Classification: Uncertain significance for Distal myopathy with posterior leg and anterior hand involvement; Myofibrillar myopathy 5; Hypertrophic cardiomyopathy 26. Last evaluated: 2025-01-12. Review status: criteria provided, single submitter. Criteria: Invitae Variant Classification Sherloc (09022015). Collection method: clinical testing. Allele origin: germline.
Comment: This sequence change replaces glycine, which is neutral and non-polar, with valine, which is neutral and non-polar, at codon 54 of the FLNC protein (p.Gly54Val). This variant is not present in population databases (gnomAD no frequency). This variant has not been reported in the literature in individuals affected with FLNC-related conditions. ClinVar contains an entry for this variant (Variation ID: 946807). Invitae Evidence Modeling of protein sequence and biophysical properties (such as structural, functional, and spatial information, amino acid conservation, physicochemical variation, residue mobility, and thermodynamic stability) has been performed for this missense variant. However, the output from this modeling did not meet the statistical confidence thresholds required to predict the impact of this variant on FLNC protein function. In summary, the available evidence is currently insufficient to determine the role of this variant in disease. Therefore, it has been classified as a Variant of Uncertain Significance.

NM_001458.5(FLNC):c.161G>T (p.Gly54Val)

Gene: FLNC (filamin C; plus strand). Cytogenetic location: 7q32.1.
Variant type: single nucleotide variant.
Coding change: c.161G>T on transcript NM_001458.5 (MANE Select); coding-DNA position 161, G replaced by T.
Protein change: p.Gly54Val; replaces glycine 54 with valine.
Molecular consequence: missense variant.
Genome position (GRCh38, 1-based): chr7:128,830,798, G>T. VCF-style: chr7-128830798-G-T. GRCh37 (hg19) VCF-style: chr7-128470852-G-T.
Other names: c.161G>T, p.Gly54Val (NM_001127487.2); short protein forms G54V.
Identifiers: ClinVar variation 946807 (VCV000946807.8), dbSNP rs1032152678, ClinGen allele CA369216153.
Genomic context (GRCh38, chr7:128,830,798, plus strand): 5'-GGAAGAAGATCCAGCAGAACACATTCACGCGCTGGTGCAATGAGCACCTCAAGTGCGTGG[G>T]CAAGCGCCTGACCGACCTGCAGCGCGACCTCAGCGACGGGCTCCGGCTCATCGCGCTGCT-3'
Protein context (NP_001449.3, residues 44-64): RWCNEHLKCV[Gly54Val]KRLTDLQRDL